The following is an entry in ClinVar:

NM_004336.5(BUB1):c.1698+2T>C

Gene: BUB1 (BUB1 mitotic checkpoint serine/threonine kinase; minus strand). Cytogenetic location: 2q13.
Variant type: single nucleotide variant.
Coding change: c.1698+2T>C on transcript NM_004336.5 (MANE Select); the canonical splice donor site of the intron after coding-DNA position 1698, T replaced by C.
Molecular consequence: splice donor variant.
Genome position (GRCh38, 1-based): chr2:110,657,034, A>G on the plus strand (T>C on the coding strand, the complement: BUB1 is on the minus strand). VCF-style: chr2-110657034-A-G. GRCh37 (hg19) VCF-style: chr2-111414611-A-G.
Other names: c.1638+2T>C (NM_001278616.2); c.1698+2T>C (NM_001278617.2).
Identifiers: ClinVar variation 4732607 (VCV004732607.1).

ClinVar aggregate classification (germline): Uncertain significance (1 of 4 stars; one submission).

Submission:

Labcorp Genetics (formerly Invitae), Labcorp
Classification: Uncertain significance. Last evaluated: 2025-12-22. Review status: criteria provided, single submitter. Criteria: Invitae Variant Classification Sherloc (09022015). Collection method: clinical testing. Allele origin: germline.
Comment: This sequence change affects a donor splice site in intron 15 of the BUB1 gene. It is expected to disrupt RNA splicing. Variants that disrupt the donor or acceptor splice site typically lead to a loss of protein function (PMID: 16199547), however the current clinical and genetic evidence is not sufficient to establish whether loss-of-function variants in BUB1 cause disease. This variant is not present in population databases (gnomAD no frequency). This variant has not been reported in the literature in individuals affected with BUB1-related conditions. Algorithms developed to predict the effect of sequence changes on RNA splicing suggest that this variant may disrupt the consensus splice site. In summary, the available evidence is currently insufficient to determine the role of this variant in disease. Therefore, it has been classified as a Variant of Uncertain Significance.

Literature cited by the submitters: PubMed 16199547.